The following is an entry in ClinVar:

NM_005198.5(CHKB):c.810T>A (p.Tyr270Ter)

Genes: CHKB (choline kinase beta; minus strand), CHKB-CPT1B (CHKB-CPT1B readthrough (NMD candidate); minus strand). Cytogenetic location: 22q13.33.
Variant type: single nucleotide variant.
Coding change: c.810T>A on transcript NM_005198.5 (MANE Select); coding-DNA position 810, T replaced by A.
Protein change: p.Tyr270Ter; replaces tyrosine 270 with a stop codon.
Molecular consequence: nonsense. On other transcripts: non-coding transcript variant (1).
Genome position (GRCh38, 1-based): chr22:50,580,198, A>T on the plus strand (T>A on the coding strand, the complement: CHKB is on the minus strand). VCF-style: chr22-50580198-A-T. GRCh37 (hg19) VCF-style: chr22-51018627-A-T.
Other names: short protein forms Y270*.
Identifiers: ClinVar variation 30952 (VCV000030952.5), dbSNP rs750764003, ClinGen allele CA259956.

ClinVar aggregate classification (germline): Pathogenic. Review status: criteria provided, single submitter (1 of 4 stars). 3 submissions from 3 submitters: Pathogenic (1). 2 of the submissions do not count toward it. Last evaluated 2024-01-31.

Conditions:
CHKB-related disorder. Also called: CHKB-related condition.
Megaconial type congenital muscular dystrophy (MDCMC). Also called: CHKB-Related Muscle Diseases; MUSCULAR DYSTROPHY, CONGENITAL, WITH MITOCHONDRIAL STRUCTURAL ABNORMALITIES; CHKB-Related Muscular Dystrophy. Identifiers: Orphanet 280671, MedGen C1865233, MONDO:0011246, OMIM 602541.

Allele frequency attached by ClinVar (database versions not stated): TOPMed 0.00003.
gnomAD v4.1: 33 of 1,613,748 alleles (0.002%); highest among the groups gnomAD compares: African/African-American, 0.0027%; no homozygotes.

Submissions (3):

Labcorp Genetics (formerly Invitae), Labcorp
Classification: Pathogenic for Megaconial type congenital muscular dystrophy. Last evaluated: 2024-01-31. Review status: criteria provided, single submitter. Criteria: Invitae Variant Classification Sherloc (09022015). Collection method: clinical testing. Allele origin: germline.
Comment: This sequence change creates a premature translational stop signal (p.Tyr270*) in the CHKB gene. It is expected to result in an absent or disrupted protein product. Loss-of-function variants in CHKB are known to be pathogenic (PMID: 21665002). This variant is present in population databases (rs750764003, gnomAD 0.002%). This premature translational stop signal has been observed in individuals with congenital muscular dystrophy (PMID: 21665002, 26006750). ClinVar contains an entry for this variant (Variation ID: 30952). For these reasons, this variant has been classified as Pathogenic.

PreventionGenetics, part of Exact Sciences
Classification: Pathogenic for CHKB-related condition. Last evaluated: 2024-05-30. Review status: no assertion criteria provided. Collection method: clinical testing. Allele origin: germline. Not counted in ClinVar's aggregate classification.
Comment: The CHKB c.810T>A variant is predicted to result in premature protein termination (p.Tyr270*). This variant was reported in individuals with autosomal recessive congenital muscular dystrophy and mitochondrial enlargement (Mitsuhashi et al. 2011. PubMed ID: 21665002; Castro-Gago et al. 2014. PubMed ID: 24997086). This variant is reported in 0.0023% of alleles in individuals of European (Non-Finnish) descent in gnomAD. Nonsense variants in CHKB are expected to be pathogenic. This variant is interpreted as pathogenic.

OMIM
Classification: Pathogenic for MUSCULAR DYSTROPHY, CONGENITAL, MEGACONIAL TYPE. Last evaluated: 2014-11-01. Review status: no assertion criteria provided. Collection method: literature only. Allele origin: germline. Not counted in ClinVar's aggregate classification.

Literature cited by the submitters: PubMed 21665002 (cited by Labcorp Genetics (formerly Invitae), Labcorp and OMIM); PubMed 26006750 (cited by Labcorp Genetics (formerly Invitae), Labcorp); PubMed 9427222 (cited by OMIM); PubMed 24997086 (cited by OMIM).